The following is an entry in ClinVar:

NM_015338.6(ASXL1):c.2302dup (p.Gln768fs)

Gene: ASXL1 (ASXL transcriptional regulator 1; plus strand). Cytogenetic location: 20q11.21.
Variant type: Duplication.
Coding change: c.2302dup on transcript NM_015338.6 (MANE Select); coding-DNA position 2302, one base duplicated (C; older notation c.2302dupC).
Protein change: p.Gln768fs; shifts the reading frame from glutamine 768.
Molecular consequence: frameshift variant.
Genome position (GRCh38, 1-based): chr20:32,435,014, C duplicated; the last of 3 consecutive C bases (chr20:32,435,012-32,435,014); duplicating any one gives the same sequence. VCF-style (leftmost placement, unchanged base first): chr20-32435011-T-TC. GRCh37 (hg19) VCF-style: chr20-31022814-T-TC.
Other names: c.2119dup, p.Gln707fs (NM_001363734.1); short protein forms Q707fs, Q768fs.
Identifiers: ClinVar variation 2664081 (VCV002664081.1), dbSNP rs2515562198, ClinGen allele CA2695201393.

ClinVar aggregate classification (germline): Pathogenic (1 of 4 stars; one submission).

Conditions:
Bohring-Opitz syndrome. Also called: C-LIKE SYNDROME; BOHRING SYNDROME; OPITZ TRIGONOCEPHALY-LIKE SYNDROME; ASXL1-Related Bohring-Opitz Syndrome. Identifiers: Orphanet 97297, MedGen C0796232, MONDO:0011510, OMIM 605039.

Submission:

Center for Genomics, Ann and Robert H. Lurie Children's Hospital of Chicago
Classification: Pathogenic for Bohring-Opitz syndrome. Last evaluated: 2022-04-07. Review status: criteria provided, single submitter. Criteria: ACMG Guidelines, 2015. Collection method: clinical testing. Allele origin: germline. Observed: 1 variant allele.
Comment: This variant has not been reported in the literature and is not present in large control databases. This variant creates a premature stop codon 6 amino acids downstream from this location. While this variant occurs in the last exon of the gene and is thus unlikely to lead to loss of expression through nonsense-mediated decay, this variant is predicted to result in a severely truncated protein. Loss of function variants are a known mechanism of disease for this gene (Hoischen 2012 PMID: 21706002). In summary, this variant is classified as pathogenic.